The following is an entry in ClinVar:

ClinVar aggregate classification (germline): Likely pathogenic (1 of 4 stars; one submission).

Conditions:
Autosomal recessive juvenile Parkinson disease 2. Also called: PARKINSON DISEASE, JUVENILE, AUTOSOMAL RECESSIVE; Parkinson disease autosomal recessive, early onset; Juvenile parkinsonism; Parkinsonism, early onset, with diurnal fluctuation; PRKN-Related Early-Onset Parkinson Disease; Parkinson disease, juvenile, type 2. Identifiers: Orphanet 2828, MedGen C1868675, MONDO:0010820, OMIM 600116.

Submission:

Human Genetics Bochum, Ruhr University Bochum
Classification: Likely pathogenic for Autosomal recessive juvenile Parkinson disease 2. Last evaluated: 2025-06-02. Review status: criteria provided, single submitter. Criteria: ACMG Guidelines, 2015. Collection method: clinical testing. Allele origin: germline. Affected: yes.
Comment: was identified in compound heterozygous state with c.934-1G>A; Ex5-6 deletion (CN-Index=1)

NM_004562.3:c.535-59_734+51del

Gene: PRKN (parkin RBR E3 ubiquitin protein ligase; minus strand).
Variant type: Deletion.
Other names: c.535-59_734+51del (NM_004562.3).
Identifiers: ClinVar variation 4687923 (VCV004687923.1).